The following is an entry in ClinVar:

ClinVar aggregate classification (germline): Uncertain significance. Review status: criteria provided, multiple submitters, no conflicts (2 of 4 stars). 3 submissions from 3 submitters: Uncertain significance (3). Last evaluated 2026-01-26.

Conditions:
Glycogen storage disease IV, classic hepatic. Also called: GSD IV, CLASSIC HEPATIC. Identifiers: MedGen C1856301.
Glycogen storage disease, type IV (GSD4). Also called: Glycogen storage disease due to glycogen branching enzyme deficiency; AMYLOPECTINOSIS; ANDERSEN DISEASE; BRANCHER DEFICIENCY; CIRRHOSIS, FAMILIAL, WITH DEPOSITION OF ABNORMAL GLYCOGEN; GBE1 DEFICIENCY. Identifiers: Orphanet 367, MedGen C0017923, MONDO:0009292, OMIM 232500.

Allele frequency attached by ClinVar (database versions not stated): ExAC 0.00002; gnomAD 0.00002 and 0.00003; TOPMed 0.00003; gnomAD exomes 0.00005; 1000 Genomes Project 30x 0.00016; 1000 Genomes Project 0.00020.
gnomAD v4.1: 132 of 1,591,938 alleles (0.0083%); highest among the groups gnomAD compares: Middle Eastern, 0.017%; no homozygotes.

Submissions (3):

GeneDx
Classification: Uncertain significance. Last evaluated: 2026-01-26. Review status: criteria provided, single submitter. Criteria: GeneDx Variant Classification Process June 2021. Collection method: clinical testing. Allele origin: germline.
Comment: In silico analysis supports that this missense variant has a deleterious effect on protein structure/function; Has not been previously published as pathogenic or benign to our knowledge

Labcorp Genetics (formerly Invitae), Labcorp
Classification: Uncertain significance for Glycogen storage disease, type IV; Glycogen storage disease IV, classic hepatic. Last evaluated: 2022-08-05. Review status: criteria provided, single submitter. Criteria: Invitae Variant Classification Sherloc (09022015). Collection method: clinical testing. Allele origin: germline.
Comment: This sequence change replaces arginine, which is basic and polar, with cysteine, which is neutral and slightly polar, at codon 576 of the GBE1 protein (p.Arg576Cys). This variant is present in population databases (rs183019204, gnomAD 0.02%). This variant has not been reported in the literature in individuals affected with GBE1-related conditions. ClinVar contains an entry for this variant (Variation ID: 1693870). Algorithms developed to predict the effect of missense changes on protein structure and function are either unavailable or do not agree on the potential impact of this missense change (SIFT: "Deleterious"; PolyPhen-2: "Probably Damaging"; Align-GVGD: "Class C0"). In summary, the available evidence is currently insufficient to determine the role of this variant in disease. Therefore, it has been classified as a Variant of Uncertain Significance.

Mayo Clinic Laboratories, Mayo Clinic
Classification: Uncertain significance. Last evaluated: 2021-12-28. Review status: criteria provided, single submitter. Criteria: ACMG Guidelines, 2015. Collection method: clinical testing. Allele origin: germline.

NM_000158.4(GBE1):c.1726C>T (p.Arg576Cys)

Gene: GBE1 (1,4-alpha-glucan branching enzyme 1; minus strand). Cytogenetic location: 3p12.2.
Variant type: single nucleotide variant.
Coding change: c.1726C>T on transcript NM_000158.4 (MANE Select); coding-DNA position 1726, C replaced by T.
Protein change: p.Arg576Cys; replaces arginine 576 with cysteine.
Molecular consequence: missense variant.
Genome position (GRCh38, 1-based): chr3:81,536,988, G>A on the plus strand (C>T on the coding strand, the complement: GBE1 is on the minus strand). VCF-style: chr3-81536988-G-A. GRCh37 (hg19) VCF-style: chr3-81586139-G-A.
Other names: p.Arg576Cys; short protein forms R576C.
Identifiers: ClinVar variation 1693870 (VCV001693870.7), dbSNP rs183019204, ClinGen allele CA2499581.
Genomic context (GRCh38, chr3:81,536,988, plus strand): 5'-AACCATATCTTTCTTCCAATCTATTCATATCCCTGTCAAAATTATTTAGGAACTTGTAGC[G>A]AAGAAGGTCGTCGTCAGTTAAATGAAACTGCCGCCTGGCATAATGGTAACTCTCATTATT-3'
Protein context (NP_000149.4, residues 566-586): QFHLTDDDLL[Arg576Cys]YKFLNNFDRD